The following is an entry in ClinVar:

ClinVar aggregate classification (germline): Uncertain significance (1 of 4 stars; one submission).

Submission:

Ambry Genetics
Classification: Uncertain significance. Last evaluated: 2024-12-02. Review status: criteria provided, single submitter. Criteria: Ambry Variant Classification Scheme 2023. Collection method: clinical testing. Allele origin: germline.
Comment: The p.S492L variant (also known as c.1475C>T), located in coding exon 15 of the SRP72 gene, results from a C to T substitution at nucleotide position 1475. The serine at codon 492 is replaced by leucine, an amino acid with dissimilar properties. This amino acid position is conserved. In addition, this alteration is predicted to be deleterious by in silico analysis. Based on the available evidence, the clinical significance of this variant remains unclear.

NM_006947.4(SRP72):c.1475C>T (p.Ser492Leu)

Gene: SRP72 (signal recognition particle 72; plus strand). Cytogenetic location: 4q12.
Variant type: single nucleotide variant.
Coding change: c.1475C>T on transcript NM_006947.4 (MANE Select); coding-DNA position 1475, C replaced by T.
Protein change: p.Ser492Leu; replaces serine 492 with leucine.
Molecular consequence: missense variant. On other transcripts: non-coding transcript variant (1).
Genome position (GRCh38, 1-based): chr4:56,490,618, C>T. VCF-style: chr4-56490618-C-T. GRCh37 (hg19) VCF-style: chr4-57356784-C-T.
Other names: c.1292C>T, p.Ser431Leu (NM_001267722.2); short protein forms S492L, S431L.
Identifiers: ClinVar variation 3449425 (VCV003449425.1).